The following is an entry in ClinVar:

NM_018297.4(NGLY1):c.659-6T>G

Gene: NGLY1 (N-glycanase 1; minus strand). Cytogenetic location: 3p24.2.
Variant type: single nucleotide variant.
Coding change: c.659-6T>G on transcript NM_018297.4 (MANE Select); 6 bases into the intron before coding-DNA position 659, T replaced by G.
Molecular consequence: intron variant.
Genome position (GRCh38, 1-based): chr3:25,739,805, A>C on the plus strand (T>G on the coding strand, the complement: NGLY1 is on the minus strand). VCF-style: chr3-25739805-A-C. GRCh37 (hg19) VCF-style: chr3-25781296-A-C.
Other names: c.533-6T>G (NM_001145294.2); c.659-6T>G (NM_001145295.2, NM_001145293.2).
Identifiers: ClinVar variation 1355425 (VCV001355425.6), dbSNP rs1049813524, ClinGen allele CA71656942.

ClinVar aggregate classification (germline): Uncertain significance (1 of 4 stars; one submission).

Conditions:
Congenital disorder of deglycosylation (CDDG). Identifiers: MedGen C3808991, MONDO:0031376.

Allele frequency attached by ClinVar (database versions not stated): gnomAD exomes below 0.00001.
gnomAD v4.1: 1 of 1,609,026 alleles (0.000062%); highest among the groups gnomAD compares: South Asian, 0.0011%; no homozygotes.

Submission:

Labcorp Genetics (formerly Invitae), Labcorp
Classification: Uncertain significance for Congenital disorder of deglycosylation. Last evaluated: 2022-06-05. Review status: criteria provided, single submitter. Criteria: Invitae Variant Classification Sherloc (09022015). Collection method: clinical testing. Allele origin: germline.
Comment: This sequence change falls in intron 4 of the NGLY1 gene. It does not directly change the encoded amino acid sequence of the NGLY1 protein. This variant is not present in population databases (gnomAD no frequency). This variant has not been reported in the literature in individuals affected with NGLY1-related conditions. ClinVar contains an entry for this variant (Variation ID: 1355425). Algorithms developed to predict the effect of sequence changes on RNA splicing suggest that this variant may disrupt the consensus splice site. In summary, the available evidence is currently insufficient to determine the role of this variant in disease. Therefore, it has been classified as a Variant of Uncertain Significance.